The following is an entry in ClinVar:

ClinVar aggregate classification (germline): Benign. Review status: criteria provided, single submitter (1 of 4 stars). 2 submissions from 2 submitters: Benign (1). 1 of the submissions does not count toward it. Last evaluated 2024-06-09.

Conditions:
RAI1-related disorder. Also called: RAI1-related condition.

Allele frequency attached by ClinVar (database versions not stated): gnomAD exomes 0.00001; gnomAD 0.00003; TOPMed 0.00003.
gnomAD v4.1: 24 of 1,613,962 alleles (0.0015%); highest among the groups gnomAD compares: Middle Eastern, 0.016%; no homozygotes.

Submissions (2):

Labcorp Genetics (formerly Invitae), Labcorp
Classification: Benign. Last evaluated: 2024-06-09. Review status: criteria provided, single submitter. Criteria: Invitae Variant Classification Sherloc (09022015). Collection method: clinical testing. Allele origin: germline.

PreventionGenetics, part of Exact Sciences
Classification: Uncertain significance for RAI1-related condition. Last evaluated: 2024-04-25. Review status: no assertion criteria provided. Collection method: clinical testing. Allele origin: germline. Not counted in ClinVar's aggregate classification.
Comment: The RAI1 c.5006C>T variant is predicted to result in the amino acid substitution p.Thr1669Met. To our knowledge, this variant has not been reported in the literature. This variant is reported in 0.00077% of alleles in individuals of European (Non-Finnish) descent in gnomAD. At this time, the clinical significance of this variant is uncertain due to the absence of conclusive functional and genetic evidence.

NM_030665.4(RAI1):c.5006C>T (p.Thr1669Met)

Gene: RAI1 (retinoic acid induced 1; plus strand). Cytogenetic location: 17p11.2.
Variant type: single nucleotide variant.
Coding change: c.5006C>T on transcript NM_030665.4 (MANE Select); coding-DNA position 5006, C replaced by T.
Protein change: p.Thr1669Met; replaces threonine 1669 with methionine.
Molecular consequence: missense variant.
Genome position (GRCh38, 1-based): chr17:17,797,954, C>T. VCF-style: chr17-17797954-C-T. GRCh37 (hg19) VCF-style: chr17-17701268-C-T.
Other names: c.5006C>T (NM_030665.3); short protein forms T1669M.
Identifiers: ClinVar variation 2892302 (VCV002892302.4), dbSNP rs1004463803, ClinGen allele CA288371718.